The following is an entry in ClinVar:

ClinVar aggregate classification (germline): Likely benign (1 of 4 stars; one submission).

Submission:

Women's Health and Genetics/Laboratory Corporation of America, LabCorp
Classification: Likely benign. Last evaluated: 2022-08-22. Review status: criteria provided, single submitter. Criteria: LabCorp Variant Classification Summary - May 2015. Collection method: clinical testing. Allele origin: germline.
Comment: Variant summary: TTN c.89835T>A alters a conserved nucleotide resulting in a synonymous change. Several computational tools predict a significant impact on normal splicing: one predict the variant creates a 3 prime acceptor site; three predict the variant no significant impact on splicing. However, these predictions have yet to be confirmed by functional studies. The variant was absent in 246724 control chromosomes. The available data on variant occurrences in the general population are insufficient to allow any conclusion about variant significance. To our knowledge, no occurrence of c.89835T>A in individuals affected with Dilated Cardiomyopathy and no experimental evidence demonstrating its impact on protein function have been reported. No clinical diagnostic laboratories have submitted clinical-significance assessments for this variant to ClinVar after 2014. Based on the evidence outlined above, the variant was classified as likely benign.

NM_001267550.2(TTN):c.97539T>A (p.Arg32513=)

Genes: TTN (titin; minus strand), TTN-AS1 (TTN antisense RNA 1; plus strand). Cytogenetic location: 2q31.2.
Variant type: single nucleotide variant.
Coding change: c.97539T>A on transcript NM_001267550.2 (MANE Select); coding-DNA position 97539, T replaced by A.
Protein change: p.Arg32513=; no amino-acid change (arginine 32513 retained).
Molecular consequence: synonymous variant.
Genome position (GRCh38, 1-based): chr2:178,541,538, A>T on the plus strand (T>A on the coding strand, the complement: TTN is on the minus strand). VCF-style: chr2-178541538-A-T. GRCh37 (hg19) VCF-style: chr2-179406265-A-T.
Other names: c.92616T>A, p.Arg30872= (NM_001256850.1); c.70344T>A, p.Arg23448= (NM_003319.4); c.89835T>A, p.Arg29945= (NM_133378.4); c.70719T>A, p.Arg23573= (NM_133432.3); c.70920T>A, p.Arg23640= (NM_133437.4).
Identifiers: ClinVar variation 1705176 (VCV001705176.1), dbSNP rs754524673, ClinGen allele CA430097973.